The following is an entry in ClinVar:

ClinVar aggregate classification (germline): Uncertain significance. Review status: criteria provided, multiple submitters, no conflicts (2 of 4 stars). 2 submissions from 2 submitters: Uncertain significance (2). Last evaluated 2024-02-07.

Conditions:
Brachydactyly type B1 (BDB1). Identifiers: Orphanet 572385, Orphanet 93383, MedGen C1862112, MONDO:0007220, OMIM 113000.
Autosomal recessive Robinow syndrome (RRS1). Also called: COSTOVERTEBRAL SEGMENTATION DEFECT WITH MESOMELIA; COVESDEM SYNDROME; ROR2-Related Robinow Syndrome; ROBINOW SYNDROME, AUTOSOMAL RECESSIVE 1. Identifiers: Orphanet 1507, Orphanet 97360, MedGen C5399974, MONDO:0009999, OMIM 268310.

Allele frequency attached by ClinVar (database versions not stated): gnomAD exomes below 0.00001; ExAC 0.00001.
gnomAD v4.1: 56 of 1,610,776 alleles (0.0035%); highest among the groups gnomAD compares: Non-Finnish European, 0.0047%; no homozygotes.

Submissions (2):

Fulgent Genetics
Classification: Uncertain significance for Brachydactyly type B1; Autosomal recessive Robinow syndrome. Last evaluated: 2024-02-07. Review status: criteria provided, single submitter. Criteria: ACMG Guidelines, 2015. Collection method: clinical testing. Allele origin: germline.

Labcorp Genetics (formerly Invitae), Labcorp
Classification: Uncertain significance. Last evaluated: 2021-07-17. Review status: criteria provided, single submitter. Criteria: Invitae Variant Classification Sherloc (09022015). Collection method: clinical testing. Allele origin: germline.
Comment: In summary, the available evidence is currently insufficient to determine the role of this variant in disease. Therefore, it has been classified as a Variant of Uncertain Significance. Advanced modeling of protein sequence and biophysical properties (such as structural, functional, and spatial information, amino acid conservation, physicochemical variation, residue mobility, and thermodynamic stability) performed at Invitae indicates that this missense variant is not expected to disrupt ROR2 protein function. This variant has not been reported in the literature in individuals affected with ROR2-related conditions. This variant is present in population databases (rs774317100, ExAC 0.002%). This sequence change replaces alanine with valine at codon 793 of the ROR2 protein (p.Ala793Val). The alanine residue is highly conserved and there is a small physicochemical difference between alanine and valine.

NM_004560.4(ROR2):c.2378C>T (p.Ala793Val)

Gene: ROR2 (receptor tyrosine kinase like orphan receptor 2; minus strand). Cytogenetic location: 9q22.31.
Variant type: single nucleotide variant.
Coding change: c.2378C>T on transcript NM_004560.4 (MANE Select); coding-DNA position 2378, C replaced by T.
Protein change: p.Ala793Val; replaces alanine 793 with valine.
Molecular consequence: missense variant.
Genome position (GRCh38, 1-based): chr9:91,724,116, G>A on the plus strand (C>T on the coding strand, the complement: ROR2 is on the minus strand). VCF-style: chr9-91724116-G-A. GRCh37 (hg19) VCF-style: chr9-94486398-G-A.
Other names: short protein forms A793V.
Identifiers: ClinVar variation 1405509 (VCV001405509.9), dbSNP rs774317100, ClinGen allele CA5120411.